The following is an entry in ClinVar:

NM_020928.2(ZSWIM6):c.1862C>T (p.Ser621Leu)

Gene: ZSWIM6 (zinc finger SWIM-type containing 6; plus strand). Cytogenetic location: 5q12.1.
Variant type: single nucleotide variant.
Coding change: c.1862C>T on transcript NM_020928.2 (MANE Select); coding-DNA position 1862, C replaced by T.
Protein change: p.Ser621Leu; replaces serine 621 with leucine.
Molecular consequence: missense variant.
Genome position (GRCh38, 1-based): chr5:61,530,076, C>T. VCF-style: chr5-61530076-C-T. GRCh37 (hg19) VCF-style: chr5-60825903-C-T.
Other names: short protein forms S621L.
Identifiers: ClinVar variation 2170423 (VCV002170423.4), dbSNP rs534372787, ClinGen allele CA119662893.

ClinVar aggregate classification (germline): Uncertain significance (1 of 4 stars; one submission).

Allele frequency attached by ClinVar (database versions not stated): 1000 Genomes Project 30x 0.00031; 1000 Genomes Project 0.00040.
gnomAD v4.1: 30 of 1,551,400 alleles (0.0019%); highest among the groups gnomAD compares: East Asian, 0.042%; 2 homozygotes.

Submission:

Labcorp Genetics (formerly Invitae), Labcorp
Classification: Uncertain significance. Last evaluated: 2022-10-18. Review status: criteria provided, single submitter. Criteria: Invitae Variant Classification Sherloc (09022015). Collection method: clinical testing. Allele origin: germline.
Comment: In summary, the available evidence is currently insufficient to determine the role of this variant in disease. Therefore, it has been classified as a Variant of Uncertain Significance. Advanced modeling of protein sequence and biophysical properties (such as structural, functional, and spatial information, amino acid conservation, physicochemical variation, residue mobility, and thermodynamic stability) performed at Invitae indicates that this missense variant is not expected to disrupt ZSWIM6 protein function. This variant has not been reported in the literature in individuals affected with ZSWIM6-related conditions. This variant is present in population databases (rs534372787, gnomAD 0.02%). This sequence change replaces serine, which is neutral and polar, with leucine, which is neutral and non-polar, at codon 621 of the ZSWIM6 protein (p.Ser621Leu).